The following is an entry in ClinVar:

NM_004360.5(CDH1):c.94T>C (p.Phe32Leu)

Gene: CDH1 (cadherin 1; plus strand). Cytogenetic location: 16q22.1.
Variant type: single nucleotide variant.
Coding change: c.94T>C on transcript NM_004360.5 (MANE Select); coding-DNA position 94, T replaced by C.
Protein change: p.Phe32Leu; replaces phenylalanine 32 with leucine.
Molecular consequence: missense variant. On other transcripts: 5 prime UTR variant (2).
Genome position (GRCh38, 1-based): chr16:68,738,342, T>C. VCF-style: chr16-68738342-T-C. GRCh37 (hg19) VCF-style: chr16-68772245-T-C.
Other names: c.94T>C, p.Phe32Leu (NM_001317184.2); c.-1522T>C (NM_001317185.2); c.-1726T>C (NM_001317186.2); short protein forms F32L.
Identifiers: ClinVar variation 3488676 (VCV003488676.1).

ClinVar aggregate classification (germline): Uncertain significance (1 of 4 stars; one submission).

Conditions:
Hereditary cancer-predisposing syndrome. Also called: Tumor predisposition; Neoplastic Syndromes, Hereditary; Hereditary Cancer Syndrome; Hereditary neoplastic syndrome. Identifiers: Orphanet 140162, MedGen C0027672, MeSH D009386, MONDO:0015356.

gnomAD v4.1: 2 of 1,525,702 alleles (0.00013%); highest among the groups gnomAD compares: Non-Finnish European, 0.00018%; no homozygotes.

Submission:

Ambry Genetics
Classification: Uncertain significance for Hereditary cancer-predisposing syndrome. Last evaluated: 2024-11-11. Review status: criteria provided, single submitter. Criteria: Ambry Variant Classification Scheme 2023. Collection method: clinical testing. Allele origin: germline.
Comment: The p.F32L variant (also known as c.94T>C), located in coding exon 2 of the CDH1 gene, results from a T to C substitution at nucleotide position 94. The phenylalanine at codon 32 is replaced by leucine, an amino acid with highly similar properties. This amino acid position is conserved. In addition, the in silico prediction for this alteration is inconclusive. Based on the available evidence, the clinical significance of this variant remains unclear.